The following is an entry in ClinVar:

NM_016169.4(SUFU):c.793A>T (p.Asn265Tyr)

Gene: SUFU (SUFU negative regulator of hedgehog signaling; plus strand). Cytogenetic location: 10q24.32.
Variant type: single nucleotide variant.
Coding change: c.793A>T on transcript NM_016169.4 (MANE Select); coding-DNA position 793, A replaced by T.
Protein change: p.Asn265Tyr; replaces asparagine 265 with tyrosine.
Molecular consequence: missense variant.
Genome position (GRCh38, 1-based): chr10:102,597,176, A>T. VCF-style: chr10-102597176-A-T. GRCh37 (hg19) VCF-style: chr10-104356933-A-T.
Other names: c.793A>T, p.Asn265Tyr (NM_001178133.2); short protein forms N265Y.
Identifiers: ClinVar variation 2946932 (VCV002946932.3), dbSNP rs2545094076, ClinGen allele CA377910377.

ClinVar aggregate classification (germline): Uncertain significance (1 of 4 stars; one submission).

Conditions:
Gorlin syndrome. Also called: Nevoid Basal Cell Carcinoma Syndrome; Basal cell nevus syndrome. Identifiers: Orphanet 377, MedGen C0004779, MONDO:0007187.
Medulloblastoma (MDB). Also called: MEDULLOBLASTOMA PREDISPOSITION SYNDROME; Medulloblastoma, somatic. Identifiers: Orphanet 616, MedGen C0025149, MeSH D008527, MONDO:0007959, OMIM 155255, HP:0002885.

Submission:

Labcorp Genetics (formerly Invitae), Labcorp
Classification: Uncertain significance for Gorlin syndrome; Medulloblastoma. Last evaluated: 2023-04-20. Review status: criteria provided, single submitter. Criteria: Invitae Variant Classification Sherloc (09022015). Collection method: clinical testing. Allele origin: germline.
Comment: In summary, the available evidence is currently insufficient to determine the role of this variant in disease. Therefore, it has been classified as a Variant of Uncertain Significance. Advanced modeling of protein sequence and biophysical properties (such as structural, functional, and spatial information, amino acid conservation, physicochemical variation, residue mobility, and thermodynamic stability) performed at Invitae indicates that this missense variant is not expected to disrupt SUFU protein function. This variant has not been reported in the literature in individuals affected with SUFU-related conditions. This variant is not present in population databases (gnomAD no frequency). This sequence change replaces asparagine, which is neutral and polar, with tyrosine, which is neutral and polar, at codon 265 of the SUFU protein (p.Asn265Tyr).